The following is an entry in ClinVar:

NM_005585.5(SMAD6):c.1357G>A (p.Asp453Asn)

Gene: SMAD6 (SMAD family member 6; plus strand). Cytogenetic location: 15q22.31.
Variant type: single nucleotide variant.
Coding change: c.1357G>A on transcript NM_005585.5 (MANE Select); coding-DNA position 1357, G replaced by A.
Protein change: p.Asp453Asn; replaces aspartic acid 453 with asparagine.
Molecular consequence: missense variant. On other transcripts: non-coding transcript variant (1).
Genome position (GRCh38, 1-based): chr15:66,781,401, G>A. VCF-style: chr15-66781401-G-A. GRCh37 (hg19) VCF-style: chr15-67073739-G-A.
Other names: short protein forms D453N.
Identifiers: ClinVar variation 4739744 (VCV004739744.1).

ClinVar aggregate classification (germline): Uncertain significance (1 of 4 stars; one submission).

Conditions:
Aortic valve disease 2 (AOVD2). Identifiers: MedGen C3542024, MONDO:0013902, OMIM 614823.

Submission:

Labcorp Genetics (formerly Invitae), Labcorp
Classification: Uncertain significance for Aortic valve disease 2. Last evaluated: 2025-04-22. Review status: criteria provided, single submitter. Criteria: Invitae Variant Classification Sherloc (09022015). Collection method: clinical testing. Allele origin: germline.
Comment: This sequence change replaces aspartic acid, which is acidic and polar, with asparagine, which is neutral and polar, at codon 453 of the SMAD6 protein (p.Asp453Asn). This variant is not present in population databases (gnomAD no frequency). This variant has not been reported in the literature in individuals affected with SMAD6-related conditions. Invitae Evidence Modeling of protein sequence and biophysical properties (such as structural, functional, and spatial information, amino acid conservation, physicochemical variation, residue mobility, and thermodynamic stability) indicates that this missense variant is not expected to disrupt SMAD6 protein function with a negative predictive value of 80%. In summary, the available evidence is currently insufficient to determine the role of this variant in disease. Therefore, it has been classified as a Variant of Uncertain Significance.